The following is an entry in ClinVar:

NM_000135.4(FANCA):c.913C>G (p.His305Asp)

Gene: FANCA (FA complementation group A; minus strand). Cytogenetic location: 16q24.3.
Variant type: single nucleotide variant.
Coding change: c.913C>G on transcript NM_000135.4 (MANE Select); coding-DNA position 913, C replaced by G.
Protein change: p.His305Asp; replaces histidine 305 with aspartic acid.
Molecular consequence: missense variant.
Genome position (GRCh38, 1-based): chr16:89,795,999, G>C on the plus strand (C>G on the coding strand, the complement: FANCA is on the minus strand). VCF-style: chr16-89795999-G-C. GRCh37 (hg19) VCF-style: chr16-89862407-G-C.
Other names: c.913C>G, p.His305Asp (NM_001286167.3); short protein forms H305D.
Identifiers: ClinVar variation 5036402 (VCV005036402.1).

ClinVar aggregate classification (germline): Uncertain significance (1 of 4 stars; one submission).

Conditions:
Inborn genetic diseases. Identifiers: MedGen C0950123, MeSH D030342.

gnomAD v4.1: 1 of 1,614,008 alleles (0.000062%); highest among the groups gnomAD compares: Non-Finnish European, 0.000085%; no homozygotes.

Submission:

Ambry Genetics
Classification: Uncertain significance for Inborn genetic diseases. Last evaluated: 2026-08-10. Review status: criteria provided, single submitter. Criteria: Ambry Variant Classification Scheme 2023. Collection method: clinical testing. Allele origin: germline.
Comment: The p.H305D variant (also known as c.913C>G), located in coding exon 11 of the FANCA gene, results from a C to G substitution at nucleotide position 913. The histidine at codon 305 is replaced by aspartic acid, an amino acid with similar properties. This amino acid position is conserved. In addition, this alteration is predicted to be tolerated by in silico analysis. Based on the available evidence, the clinical significance of this variant remains unclear.